The following is an entry in ClinVar:

ClinVar aggregate classification (germline): Pathogenic (1 of 4 stars; one submission).

Conditions:
Familial temporal lobe epilepsy 7. Identifiers: Orphanet 101046, MedGen C4225327, MONDO:0014639, OMIM 616436.
Norman-Roberts syndrome (LIS2). Also called: Lissencephaly 2 (Norman-Roberts type). Identifiers: Orphanet 89844, MedGen C0796089, MONDO:0009760, OMIM 257320.

Submission:

Labcorp Genetics (formerly Invitae), Labcorp
Classification: Pathogenic for Familial temporal lobe epilepsy 7; Norman-Roberts syndrome. Last evaluated: 2022-10-14. Review status: criteria provided, single submitter. Criteria: Invitae Variant Classification Sherloc (09022015). Collection method: clinical testing. Allele origin: unknown.
Comment: For these reasons, this variant has been classified as Pathogenic. This variant has not been reported in the literature in individuals affected with RELN-related conditions. This variant is a gross deletion of the genomic region encompassing exon(s) 1 of the RELN gene, which includes the initiator codon. This deletion extends beyond the assayed region for this gene and therefore may encompass additional genes. It is expected to result in an absent or disrupted protein product. Loss-of-function variants in RELN are known to be pathogenic (PMID: 10973257, 26046367, 28454995).

Literature cited by the submitters: PubMed 10973257; PubMed 26046367; PubMed 28454995.

NC_000007.13:g.(?_103629558)_(103629803_?)del

Gene: RELN (reelin; minus strand). Cytogenetic location: 7q22.1.
Variant type: Deletion.
Identifiers: ClinVar variation 3245825 (VCV003245825.1).